The following is an entry in ClinVar:

NM_001329943.3(KIAA0586):c.892G>A (p.Val298Ile)

Gene: KIAA0586 (KIAA0586; plus strand). Cytogenetic location: 14q23.1.
Variant type: single nucleotide variant.
Coding change: c.892G>A on transcript NM_001329943.3 (MANE Select); coding-DNA position 892, G replaced by A.
Protein change: p.Val298Ile; replaces valine 298 with isoleucine.
Molecular consequence: missense variant.
Genome position (GRCh38, 1-based): chr14:58,448,424, G>A. VCF-style: chr14-58448424-G-A. GRCh37 (hg19) VCF-style: chr14-58915142-G-A.
Other names: c.1051G>A, p.Val351Ile (NM_001244189.2); c.847G>A, p.Val283Ile (NM_001244190.2); c.637G>A, p.Val213Ile (NM_001244191.2, NM_001329945.2, NM_001364700.1 and 1 more transcripts); c.760G>A, p.Val254Ile (NM_001244192.2); c.472G>A, p.Val158Ile (NM_001244193.2); c.892G>A, p.Val298Ile (NM_001329944.2, NM_001329946.2, NM_001329947.2 and 1 more transcripts); c.892G>A (NM_014749.3); c.1051G>A (NM_001244189.1); short protein forms V158I, V298I, V213I, V254I, V283I, V351I.
Identifiers: ClinVar variation 1418875 (VCV001418875.6), dbSNP rs751564059, ClinGen allele CA7205507.

ClinVar aggregate classification (germline): Uncertain significance. Review status: criteria provided, multiple submitters, no conflicts (2 of 4 stars). 3 submissions from 3 submitters: Uncertain significance (3). Last evaluated 2025-01-18.

Conditions:
Inborn genetic diseases. Identifiers: MedGen C0950123, MeSH D030342.
Joubert syndrome 23 (JBTS23). Identifiers: Orphanet 475, MedGen C4084822, MONDO:0014664, OMIM 616490.
Short-rib thoracic dysplasia 14 with polydactyly (SRTD14). Identifiers: Orphanet 397715, MedGen C4225286, MONDO:0014688, OMIM 616546.

Allele frequency attached by ClinVar (database versions not stated): gnomAD 0.00001 and 0.00003; TOPMed 0.00003; gnomAD exomes 0.00007; ExAC 0.00008.

Submissions (3):

GeneDx
Classification: Uncertain significance. Last evaluated: 2025-01-18. Review status: criteria provided, single submitter. Criteria: GeneDx Variant Classification Process June 2021. Collection method: clinical testing. Allele origin: germline. Affected: yes.
Comment: In silico analysis indicates that this missense variant does not alter protein structure/function; Has not been previously published as pathogenic or benign to our knowledge

Labcorp Genetics (formerly Invitae), Labcorp
Classification: Uncertain significance for Joubert syndrome 23; Short-rib thoracic dysplasia 14 with polydactyly. Last evaluated: 2022-11-24. Review status: criteria provided, single submitter. Criteria: Invitae Variant Classification Sherloc (09022015). Collection method: clinical testing. Allele origin: germline.
Comment: This sequence change replaces valine, which is neutral and non-polar, with isoleucine, which is neutral and non-polar, at codon 351 of the KIAA0586 protein (p.Val351Ile). The frequency data for this variant in the population databases is considered unreliable, as metrics indicate poor data quality at this position in the gnomAD database. In summary, the available evidence is currently insufficient to determine the role of this variant in disease. Therefore, it has been classified as a Variant of Uncertain Significance. Advanced modeling of protein sequence and biophysical properties (such as structural, functional, and spatial information, amino acid conservation, physicochemical variation, residue mobility, and thermodynamic stability) performed at Invitae indicates that this missense variant is not expected to disrupt KIAA0586 protein function. ClinVar contains an entry for this variant (Variation ID: 1418875). This variant has not been reported in the literature in individuals affected with KIAA0586-related conditions.

Ambry Genetics
Classification: Uncertain significance for Inborn genetic diseases. Last evaluated: 2021-07-14. Review status: criteria provided, single submitter. Criteria: Ambry Variant Classification Scheme 2023. Collection method: clinical testing. Allele origin: germline.